The following is an entry in ClinVar:

NM_001943.5(DSG2):c.2871G>C (p.Gln957His)

Genes: DSG2 (desmoglein 2; plus strand), DSG2-AS1 (DSG2 antisense RNA 1; minus strand). Cytogenetic location: 18q12.1.
Variant type: single nucleotide variant.
Coding change: c.2871G>C on transcript NM_001943.5 (MANE Select); coding-DNA position 2871, G replaced by C.
Protein change: p.Gln957His; replaces glutamine 957 with histidine.
Molecular consequence: missense variant.
Genome position (GRCh38, 1-based): chr18:31,546,257, G>C. VCF-style: chr18-31546257-G-C. GRCh37 (hg19) VCF-style: chr18-29126220-G-C.
Other names: short protein forms Q957H.
Identifiers: ClinVar variation 4870111 (VCV004870111.1).

ClinVar aggregate classification (germline): Uncertain significance (1 of 4 stars; one submission).

Conditions:
Cardiovascular phenotype. Identifiers: MedGen CN230736.

Submission:

Ambry Genetics
Classification: Uncertain significance for Cardiovascular phenotype. Last evaluated: 2026-05-17. Review status: criteria provided, single submitter. Criteria: Ambry Variant Classification Scheme 2023. Collection method: clinical testing. Allele origin: germline.
Comment: The p.Q957H variant (also known as c.2871G>C), located in coding exon 15 of the DSG2 gene, results from a G to C substitution at nucleotide position 2871. The glutamine at codon 957 is replaced by histidine, an amino acid with highly similar properties. This amino acid position is conserved. In addition, this alteration is predicted to be tolerated by in silico analysis. Based on the available evidence, the clinical significance of this variant remains unclear.